The following is an entry in ClinVar:

NM_001001557.4(GDF6):c.*1978G>A

Gene: GDF6 (growth differentiation factor 6; minus strand). Cytogenetic location: 8q22.1.
Variant type: single nucleotide variant.
Coding change: c.*1978G>A on transcript NM_001001557.4 (MANE Select); 1978 bases downstream of the stop codon, G replaced by A.
Molecular consequence: 3 prime UTR variant.
Genome position (GRCh38, 1-based): chr8:96,142,585, C>T on the plus strand (G>A on the coding strand, the complement: GDF6 is on the minus strand). VCF-style: chr8-96142585-C-T. GRCh37 (hg19) VCF-style: chr8-97154813-C-T.
Other names: NC_000008.10:g.97154813C>T.
Identifiers: ClinVar variation 913596 (VCV000913596.6), dbSNP rs112542818, ClinGen allele CA181484793.

ClinVar aggregate classification (germline): Benign. Review status: criteria provided, multiple submitters, no conflicts (2 of 4 stars). 2 submissions from 2 submitters: Benign (2). Last evaluated 2018-01-13.

Conditions:
Klippel-Feil syndrome 1, autosomal dominant (KFS1). Also called: CERVICAL VERTEBRAL FUSION, AUTOSOMAL DOMINANT. Identifiers: Orphanet 2345, MedGen C1861689, MONDO:0007306, OMIM 118100.

Allele frequency attached by ClinVar (database versions not stated): gnomAD exomes 0.00234; TOPMed 0.00422; gnomAD 0.00421 and 0.00422; 1000 Genomes Project 30x 0.00250; 1000 Genomes Project 0.00260.
gnomAD v4.1: 642 of 152,628 alleles (0.42%); highest among the groups gnomAD compares: Middle Eastern, 1.7%; 2 homozygotes.

Submissions (4):

Illumina Laboratory Services, Illumina
Classification: Benign for Klippel-Feil syndrome 1, autosomal dominant. Last evaluated: 2018-01-13. Review status: criteria provided, single submitter. Criteria: ICSL Variant Classification Criteria 13 December 2019. Collection method: clinical testing. Allele origin: germline.
Comment: This variant was observed in the ICSL laboratory as part of a predisposition screen in an ostensibly healthy population. It had not been previously curated by ICSL or reported in the Human Gene Mutation Database (HGMD: prior to June 1st, 2018), and was therefore a candidate for classification through an automated scoring system. Utilizing variant allele frequency, disease prevalence and penetrance estimates, and inheritance mode, an automated score was calculated to assess if this variant is too frequent to cause the disease. Based on the score and internal cut-off values, a variant classified as benign is not then subjected to further curation. The score for this variant resulted in a classification of benign for this disease.

Breakthrough Genomics
Classification: Benign. Review status: criteria provided, single submitter. Criteria: ACMG Guidelines, 2015. Collection method: not provided. Allele origin: germline. Inheritance: Autosomal recessive inheritance. Affected: yes.

Dr. Peter K. Rogan Lab, Western University
No classification provided (evidence only). Condition: Sarcoma. Review status: no classification provided. Collection method: in vitro. Allele origin: not applicable. Functional consequence: retained intron. Not counted in ClinVar's aggregate classification.

Dr. Peter K. Rogan Lab, Western University
No classification provided (evidence only). Condition: Malignant tumor of esophagus. Review status: no classification provided. Collection method: in vitro. Allele origin: not applicable. Functional consequence: retained intron. Not counted in ClinVar's aggregate classification.